The following is an entry in ClinVar:

NM_001277115.2(DNAH11):c.5622-1G>A

Gene: DNAH11 (dynein axonemal heavy chain 11; plus strand). Cytogenetic location: 7p15.3.
Variant type: single nucleotide variant.
Coding change: c.5622-1G>A on transcript NM_001277115.2 (MANE Select); the canonical splice acceptor site of the intron before coding-DNA position 5622, G replaced by A.
Molecular consequence: splice acceptor variant.
Genome position (GRCh38, 1-based): chr7:21,687,098, G>A. VCF-style: chr7-21687098-G-A. GRCh37 (hg19) VCF-style: chr7-21726716-G-A.
Identifiers: ClinVar variation 2710579 (VCV002710579.3), dbSNP rs2128473916, ClinGen allele CA366948917.

ClinVar aggregate classification (germline): Likely pathogenic (1 of 4 stars; one submission).

Conditions:
Primary ciliary dyskinesia. Also called: Ciliary dyskinesia. Identifiers: Orphanet 244, MedGen C0008780, MONDO:0016575, HP:0012265.

Submission:

Labcorp Genetics (formerly Invitae), Labcorp
Classification: Likely pathogenic for Primary ciliary dyskinesia. Last evaluated: 2024-01-21. Review status: criteria provided, single submitter. Criteria: Invitae Variant Classification Sherloc (09022015). Collection method: clinical testing. Allele origin: germline.
Comment: This sequence change affects an acceptor splice site in intron 32 of the DNAH11 gene. It is expected to disrupt RNA splicing. Variants that disrupt the donor or acceptor splice site typically lead to a loss of protein function (PMID: 16199547), and loss-of-function variants in DNAH11 are known to be pathogenic (PMID: 18022865, 20513915, 22184204). This variant is not present in population databases (gnomAD no frequency). This variant has not been reported in the literature in individuals affected with DNAH11-related conditions. Algorithms developed to predict the effect of sequence changes on RNA splicing suggest that this variant may disrupt the consensus splice site. In summary, the currently available evidence indicates that the variant is pathogenic, but additional data are needed to prove that conclusively. Therefore, this variant has been classified as Likely Pathogenic.

Literature cited by the submitters: PubMed 16199547; PubMed 18022865; PubMed 20513915; PubMed 22184204.